The following is an entry in ClinVar:

NM_000465.4(BARD1):c.1866T>C (p.Leu622=)

Gene: BARD1 (BRCA1 associated RING domain 1; minus strand). Cytogenetic location: 2q35.
Variant type: single nucleotide variant.
Coding change: c.1866T>C on transcript NM_000465.4 (MANE Select); coding-DNA position 1866, T replaced by C.
Protein change: p.Leu622=; no amino-acid change (leucine 622 retained).
Molecular consequence: synonymous variant. On other transcripts: non-coding transcript variant (3), intron variant (1).
Genome position (GRCh38, 1-based): chr2:214,745,104, A>G on the plus strand (T>C on the coding strand, the complement: BARD1 is on the minus strand). VCF-style: chr2-214745104-A-G. GRCh37 (hg19) VCF-style: chr2-215609828-A-G.
Other names: c.1809T>C, p.Leu603= (NM_001282543.2); c.513T>C, p.Leu171= (NM_001282545.2); c.456T>C, p.Leu152= (NM_001282548.2); c.365-14596T>C (NM_001282549.2); c.1866T>C (NM_000465.3).
Identifiers: ClinVar variation 926296 (VCV000926296.13), dbSNP rs368195514, ClinGen allele CA2090147.

ClinVar aggregate classification (germline): Benign/Likely benign. Review status: criteria provided, multiple submitters, no conflicts (2 of 4 stars). 4 submissions from 4 submitters: Benign (1); Likely benign (3). Last evaluated 2024-07-26.

Conditions:
Hereditary cancer-predisposing syndrome. Also called: Neoplastic Syndromes, Hereditary; Tumor predisposition; Hereditary Cancer Syndrome; Hereditary neoplastic syndrome. Identifiers: Orphanet 140162, MedGen C0027672, MeSH D009386, MONDO:0015356.
Familial cancer of breast. Also called: BREAST CANCER, FAMILIAL; Hereditary breast cancer; hereditary breast carcinoma. Identifiers: Orphanet 227535, MedGen C0346153, MONDO:0016419, OMIM 114480. Disease mechanism: loss of function.

Allele frequency attached by ClinVar (database versions not stated): gnomAD exomes below 0.00001; ExAC 0.00001; ESP Exome Variant Server 0.00008.

Submissions (4):

Myriad Genetics, Inc.
Classification: Benign for Familial cancer of breast. Last evaluated: 2024-07-26. Review status: criteria provided, single submitter. Criteria: Myriad Autosomal Dominant, Autosomal Recessive and X-Linked Classification Criteria (2023). Collection method: clinical testing. Allele origin: unknown.
Comment: This variant is considered benign. This variant is a silent/synonymous amino acid change and it is not expected to impact splicing.

Labcorp Genetics (formerly Invitae), Labcorp
Classification: Likely benign for Familial cancer of breast. Last evaluated: 2023-08-10. Review status: criteria provided, single submitter. Criteria: Invitae Variant Classification Sherloc (09022015). Collection method: clinical testing. Allele origin: germline.

Quest Diagnostics Nichols Institute San Juan Capistrano
Classification: Likely benign. Last evaluated: 2023-06-08. Review status: criteria provided, single submitter. Criteria: Quest Diagnostics criteria. Collection method: clinical testing. Allele origin: unknown.

Color Diagnostics, LLC DBA Color Health
Classification: Likely benign for Hereditary cancer-predisposing syndrome. Last evaluated: 2018-12-10. Review status: criteria provided, single submitter. Criteria: ACMG Guidelines, 2015. Collection method: clinical testing. Allele origin: germline.